The following is an entry in ClinVar:

NM_001605.3(AARS1):c.2890G>A (p.Gly964Arg)

Gene: AARS1 (alanyl-tRNA synthetase 1; minus strand). Cytogenetic location: 16q22.1.
Variant type: single nucleotide variant.
Coding change: c.2890G>A on transcript NM_001605.3 (MANE Select); coding-DNA position 2890, G replaced by A.
Protein change: p.Gly964Arg; replaces glycine 964 with arginine.
Molecular consequence: missense variant.
Genome position (GRCh38, 1-based): chr16:70,252,738, C>T on the plus strand (G>A on the coding strand, the complement: AARS1 is on the minus strand). VCF-style: chr16-70252738-C-T. GRCh37 (hg19) VCF-style: chr16-70286641-C-T.
Other names: short protein forms G964R.
Identifiers: ClinVar variation 1986230 (VCV001986230.4), dbSNP rs953890281, ClinGen allele CA283423619.

ClinVar aggregate classification (germline): Uncertain significance (1 of 4 stars; one submission).

Conditions:
Charcot-Marie-Tooth disease type 2. Also called: Charcot-Marie-Tooth type 2. Identifiers: Orphanet 64746, MedGen C0270914, MONDO:0018993.

Allele frequency attached by ClinVar (database versions not stated): TOPMed below 0.00001.
gnomAD v4.1: 4 of 1,614,126 alleles (0.00025%); highest among the groups gnomAD compares: Admixed American, 0.0033%; no homozygotes.

Submission:

Labcorp Genetics (formerly Invitae), Labcorp
Classification: Uncertain significance for Charcot-Marie-Tooth disease type 2. Last evaluated: 2025-07-21. Review status: criteria provided, single submitter. Criteria: Invitae Variant Classification Sherloc (09022015). Collection method: clinical testing. Allele origin: germline.
Comment: This sequence change replaces glycine, which is neutral and non-polar, with arginine, which is basic and polar, at codon 964 of the AARS protein (p.Gly964Arg). This variant is present in population databases (no rsID available, gnomAD 0.006%). This variant has not been reported in the literature in individuals affected with AARS-related conditions. ClinVar contains an entry for this variant (Variation ID: 1986230). An algorithm developed to predict the effect of missense changes on protein structure and function (PolyPhen-2) suggests that this variant is likely to be tolerated. In summary, the available evidence is currently insufficient to determine the role of this variant in disease. Therefore, it has been classified as a Variant of Uncertain Significance.